The following is an entry in ClinVar:

ClinVar aggregate classification (germline): Likely pathogenic (1 of 4 stars; one submission).

Conditions:
Early-infantile DEE. Also called: Ohtahara syndrome; Early infantile epileptic encephalopathy with suppression bursts; Early infantile epileptic encephalopathy. Identifiers: Orphanet 1934, MedGen C0393706, MONDO:0800491.

Submission:

Labcorp Genetics (formerly Invitae), Labcorp
Classification: Likely pathogenic for Early-infantile DEE. Last evaluated: 2022-10-13. Review status: criteria provided, single submitter. Criteria: Invitae Variant Classification Sherloc (09022015). Collection method: clinical testing. Allele origin: germline.
Comment: This sequence change replaces arginine, which is basic and polar, with serine, which is neutral and polar, at codon 1322 of the SCN1A protein (p.Arg1322Ser). This variant is not present in population databases (gnomAD no frequency). This variant has not been reported in the literature in individuals affected with SCN1A-related conditions. Advanced modeling of protein sequence and biophysical properties (such as structural, functional, and spatial information, amino acid conservation, physicochemical variation, residue mobility, and thermodynamic stability) performed at Invitae indicates that this missense variant is expected to disrupt SCN1A protein function. This variant disrupts the p.Arg1322 amino acid residue in SCN1A. Other variant(s) that disrupt this residue have been determined to be pathogenic (PMID: 27541642; Invitae). This suggests that this residue is clinically significant, and that variants that disrupt this residue are likely to be disease-causing. In summary, the currently available evidence indicates that the variant is pathogenic, but additional data are needed to prove that conclusively. Therefore, this variant has been classified as Likely Pathogenic.

Literature cited by the submitters: PubMed 27541642.

NM_001165963.4(SCN1A):c.3966A>C (p.Arg1322Ser)

Genes: SCN1A (sodium voltage-gated channel alpha subunit 1; minus strand), LOC102724058 (uncharacterized LOC102724058; plus strand). Cytogenetic location: 2q24.3.
Variant type: single nucleotide variant.
Coding change: c.3966A>C on transcript NM_001165963.4 (MANE Select); coding-DNA position 3966, A replaced by C.
Protein change: p.Arg1322Ser; replaces arginine 1322 with serine.
Molecular consequence: missense variant. On other transcripts: non-coding transcript variant (1).
Genome position (GRCh38, 1-based): chr2:166,009,755, T>G on the plus strand (A>C on the coding strand, the complement: SCN1A is on the minus strand). VCF-style: chr2-166009755-T-G. GRCh37 (hg19) VCF-style: chr2-166866265-T-G.
Other names: c.3930A>C, p.Arg1310Ser (NM_001353955.2, NM_001353954.2); c.3882A>C, p.Arg1294Ser (NM_001353957.2, NM_001353958.2, NM_001165964.3); c.3879A>C, p.Arg1293Ser (NM_001353960.2); c.1524A>C, p.Arg508Ser (NM_001353961.2); c.3933A>C, p.Arg1311Ser (NM_006920.6, NM_001353949.2, NM_001353950.2 and 2 more transcripts); c.3966A>C, p.Arg1322Ser (NM_001202435.3, NM_001353948.2); short protein forms R1293S, R1294S, R1310S, R1311S, R1322S, R508S.
Identifiers: ClinVar variation 2035368 (VCV002035368.4), dbSNP rs2468493462, ClinGen allele CA349053043.